The following is an entry in ClinVar:

ClinVar aggregate classification (germline): Uncertain significance (1 of 4 stars; one submission).

Conditions:
PTCHD1-related disorder. Also called: PTCHD1-related condition.

Submission:

PreventionGenetics, part of Exact Sciences
Classification: Uncertain significance for PTCHD1-related condition. Last evaluated: 2023-08-28. Review status: criteria provided, single submitter. Criteria: ACMG Guidelines, 2015. Collection method: clinical testing. Allele origin: germline.
Comment: The PTCHD1 c.1563G>C variant is predicted to result in the amino acid substitution p.Gln521His. To our knowledge, this variant has not been reported in the literature or in a large population database, indicating this variant is rare. At this time, the clinical significance of this variant is uncertain due to the absence of conclusive functional and genetic evidence.

NM_173495.3(PTCHD1):c.1563G>C (p.Gln521His)

Gene: PTCHD1 (patched domain containing 1; plus strand). Cytogenetic location: Xp22.11.
Variant type: single nucleotide variant.
Coding change: c.1563G>C on transcript NM_173495.3 (MANE Select); coding-DNA position 1563, G replaced by C.
Protein change: p.Gln521His; replaces glutamine 521 with histidine.
Molecular consequence: missense variant.
Genome position (GRCh38, 1-based): chrX:23,393,081, G>C. VCF-style: chrX-23393081-G-C. GRCh37 (hg19) VCF-style: chrX-23411198-G-C.
Other names: short protein forms Q521H.
Identifiers: ClinVar variation 2631061 (VCV002631061.1), dbSNP rs2518766954, ClinGen allele CA412584763.